The following is an entry in ClinVar:

NM_130468.4(CHST14):c.86G>T (p.Arg29Met)

Genes: CHST14 (carbohydrate sulfotransferase 14; plus strand), LOC130056851 (ATAC-STARR-seq lymphoblastoid silent region 6336; plus strand). Cytogenetic location: 15q15.1.
Variant type: single nucleotide variant.
Coding change: c.86G>T on transcript NM_130468.4 (MANE Select); coding-DNA position 86, G replaced by T.
Protein change: p.Arg29Met; replaces arginine 29 with methionine.
Molecular consequence: missense variant.
Genome position (GRCh38, 1-based): chr15:40,471,299, G>T. VCF-style: chr15-40471299-G-T. GRCh37 (hg19) VCF-style: chr15-40763498-G-T.
Other names: short protein forms R29M.
Identifiers: ClinVar variation 3229042 (VCV003229042.1), dbSNP rs2543005276, ClinGen allele CA391762142.

ClinVar aggregate classification (germline): Uncertain significance (1 of 4 stars; one submission).

Conditions:
Cardiovascular phenotype. Identifiers: MedGen CN230736.

Submission:

Ambry Genetics
Classification: Uncertain significance for Cardiovascular phenotype. Last evaluated: 2024-02-16. Review status: criteria provided, single submitter. Criteria: Ambry Variant Classification Scheme 2023. Collection method: clinical testing. Allele origin: germline.
Comment: The p.R29M variant (also known as c.86G>T), located in coding exon 1 of the CHST14 gene, results from a G to T substitution at nucleotide position 86. The arginine at codon 29 is replaced by methionine, an amino acid with similar properties. This amino acid position is conserved. In addition, the in silico prediction for this alteration is inconclusive. Based on the available evidence, the clinical significance of this alteration remains unclear.